The following is an entry in ClinVar:

NM_004525.3(LRP2):c.13757A>T (p.Lys4586Ile)

Gene: LRP2 (LDL receptor related protein 2; minus strand). Cytogenetic location: 2q31.1.
Variant type: single nucleotide variant.
Coding change: c.13757A>T on transcript NM_004525.3 (MANE Select); coding-DNA position 13757, A replaced by T.
Protein change: p.Lys4586Ile; replaces lysine 4586 with isoleucine.
Molecular consequence: missense variant.
Genome position (GRCh38, 1-based): chr2:169,129,056, T>A on the plus strand (A>T on the coding strand, the complement: LRP2 is on the minus strand). VCF-style: chr2-169129056-T-A. GRCh37 (hg19) VCF-style: chr2-169985566-T-A.
Other names: short protein forms K4586I.
Identifiers: ClinVar variation 2135485 (VCV002135485.4), dbSNP rs573151646, ClinGen allele CA349149368.

ClinVar aggregate classification (germline): Uncertain significance (1 of 4 stars; one submission).

gnomAD v4.1: 2 of 1,612,456 alleles (0.00012%); highest among the groups gnomAD compares: Non-Finnish European, 0.00017%; no homozygotes.

Submission:

Labcorp Genetics (formerly Invitae), Labcorp
Classification: Uncertain significance. Last evaluated: 2022-05-08. Review status: criteria provided, single submitter. Criteria: Invitae Variant Classification Sherloc (09022015). Collection method: clinical testing. Allele origin: germline.
Comment: In summary, the available evidence is currently insufficient to determine the role of this variant in disease. Therefore, it has been classified as a Variant of Uncertain Significance. Algorithms developed to predict the effect of missense changes on protein structure and function (SIFT, PolyPhen-2, Align-GVGD) all suggest that this variant is likely to be disruptive. This variant has not been reported in the literature in individuals affected with LRP2-related conditions. This variant is not present in population databases (gnomAD no frequency). This sequence change replaces lysine, which is basic and polar, with isoleucine, which is neutral and non-polar, at codon 4586 of the LRP2 protein (p.Lys4586Ile).